The following is an entry in ClinVar:

ClinVar aggregate classification (germline): Conflicting classifications of pathogenicity. Review status: criteria provided, conflicting classifications (1 of 4 stars). 6 submissions from 6 submitters: Uncertain significance (1); Likely benign (4). 1 of the submissions does not count toward it. Last evaluated 2026-09-15.

Conditions:
Adams-Oliver syndrome 5 (AOS5). Identifiers: Orphanet 974, MedGen C4014970, MONDO:0014459, OMIM 616028.
Familial thoracic aortic aneurysm and aortic dissection (TAAD). Also called: Thoracic aortic aneurysms and dissections. Identifiers: Orphanet 91387, MedGen C4707243, MONDO:0019625.
NOTCH1-related disorder. Also called: NOTCH1-related condition; NOTCH1-related disorders.

Allele frequency attached by ClinVar (database versions not stated): TOPMed 0.00012; gnomAD 0.00014; gnomAD exomes 0.00014 and 0.00021; ExAC 0.00016; ESP Exome Variant Server 0.00017.
gnomAD v4.1: 210 of 1,558,008 alleles (0.013%); highest among the groups gnomAD compares: Non-Finnish European, 0.0099%; no homozygotes.

Submissions (6):

GeneDx
Classification: Uncertain significance. Last evaluated: 2026-09-15. Review status: criteria provided, single submitter. Criteria: GeneDx Variant Classification Process June 2021. Collection method: clinical testing. Allele origin: germline.
Comment: In silico analysis supports that this missense variant has a deleterious effect on protein structure/function; This variant is associated with the following publications: (PMID: 29907982)

Labcorp Genetics (formerly Invitae), Labcorp
Classification: Likely benign for Adams-Oliver syndrome 5. Last evaluated: 2026-01-11. Review status: criteria provided, single submitter. Criteria: Invitae Variant Classification Sherloc (09022015). Collection method: clinical testing. Allele origin: germline.

Blueprint Genetics
Classification: Likely benign. Last evaluated: 2024-09-20. Review status: criteria provided, single submitter. Criteria: ACMG Guidelines, 2015. Collection method: clinical testing. Allele origin: germline.

Ambry Genetics
Classification: Likely benign for Familial thoracic aortic aneurysm and aortic dissection. Last evaluated: 2024-06-13. Review status: criteria provided, single submitter. Criteria: Ambry Variant Classification Scheme 2023. Collection method: clinical testing. Allele origin: germline.

Women's Health and Genetics/Laboratory Corporation of America, LabCorp
Classification: Likely benign. Last evaluated: 2024-02-26. Review status: criteria provided, single submitter. Criteria: LabCorp Variant Classification Summary - May 2015. Collection method: clinical testing. Allele origin: germline.
Comment: Variant summary: NOTCH1 c.631A>G (p.Thr211Ala) results in a non-conservative amino acid change located in the fifth EGF-like domain (IPR000742) of the encoded protein sequence. Three of four in-silico tools predict a damaging effect of the variant on protein function. The variant allele was found at a frequency of 0.00014 in 1551148 control chromosomes. The observed variant frequency is approximately 4-fold of the estimated maximal expected allele frequency for a pathogenic variant in NOTCH1 causing Aortic Valve Disease phenotype (3.1e-05), suggesting that the variant is benign. c.631A>G has been reported in the literature in an individual affected with aortic dissection, and also had bicuspid aortic valve (Overwater_2018), however no strong evidence (i.e. segregation) for causality was provided. This report does not provide unequivocal conclusions about association of the variant with Aortic Valve Disease. To our knowledge, no experimental evidence demonstrating an impact on protein function has been reported. ClinVar contains an entry for this variant (Variation ID: 520022). Based on the evidence outlined above, the variant was classified as likely benign.

PreventionGenetics, part of Exact Sciences
Classification: Likely benign for NOTCH1-related condition. Last evaluated: 2024-01-22. Review status: no assertion criteria provided. Collection method: clinical testing. Allele origin: germline. Not counted in ClinVar's aggregate classification.
Comment: This variant is classified as likely benign based on ACMG/AMP sequence variant interpretation guidelines (Richards et al. 2015 PMID: 25741868, with internal and published modifications).

Literature cited by the submitters: PubMed 29907982 (cited by Ambry Genetics and Women's Health and Genetics/Laboratory Corporation of America, LabCorp).

NM_017617.5(NOTCH1):c.631A>G (p.Thr211Ala)

Gene: NOTCH1 (notch receptor 1; minus strand). Cytogenetic location: 9q34.3.
Variant type: single nucleotide variant.
Coding change: c.631A>G on transcript NM_017617.5 (MANE Select); coding-DNA position 631, A replaced by G.
Protein change: p.Thr211Ala; replaces threonine 211 with alanine.
Molecular consequence: missense variant.
Genome position (GRCh38, 1-based): chr9:136,522,961, T>C on the plus strand (A>G on the coding strand, the complement: NOTCH1 is on the minus strand). VCF-style: chr9-136522961-T-C. GRCh37 (hg19) VCF-style: chr9-139417413-T-C.
Other names: c.631A>G (NM_017617.4); c.631A>G, p.Thr211Ala (LRG_1122t1); short protein forms T211A.
Identifiers: ClinVar variation 520022 (VCV000520022.27), dbSNP rs376902925, ClinGen allele CA5342111.